The following is an entry in ClinVar:

ClinVar aggregate classification (germline): Conflicting classifications of pathogenicity. Review status: criteria provided, conflicting classifications (1 of 4 stars). 28 submissions from 28 submitters: Uncertain significance (2); Benign (7); Likely benign (13). 6 of the submissions do not count toward it. Last evaluated 2026-08-01.

Conditions:
BARD1-related disorder. Also called: BARD1-related condition.
Breast and/or ovarian cancer. Identifiers: MedGen CN221562.
Hereditary cancer-predisposing syndrome. Also called: Neoplastic Syndromes, Hereditary; Hereditary Cancer Syndrome; Tumor predisposition; Hereditary neoplastic syndrome. Identifiers: Orphanet 140162, MedGen C0027672, MeSH D009386, MONDO:0015356.
Familial cancer of breast. Also called: hereditary breast carcinoma; BREAST CANCER, FAMILIAL; Hereditary breast cancer. Identifiers: Orphanet 227535, MedGen C0346153, MONDO:0016419, OMIM 114480. Disease mechanism: loss of function.
Malignant tumor of breast. Also called: Malignant breast neoplasm; Cancer breast. Identifiers: MedGen C0006142, MONDO:0007254. Disease mechanism: loss of function.

Allele frequency attached by ClinVar (database versions not stated): 1000 Genomes Project 0.00080; 1000 Genomes Project 30x 0.00094; ExAC 0.00185; TOPMed 0.00194; gnomAD exomes 0.00197 and 0.00324; gnomAD 0.00227 and 0.00230; ESP Exome Variant Server 0.00238.
gnomAD v4.1: 5,068 of 1,613,972 alleles (0.31%); highest among the groups gnomAD compares: Non-Finnish European, 0.38%; 14 homozygotes.

Submissions 1 to 19 of 28:

CeGaT Center for Human Genetics Tuebingen
Classification: Benign. Last evaluated: 2026-08-01. Review status: criteria provided, single submitter. Criteria: CeGaT Center For Human Genetics Tuebingen Variant Classification Criteria Version 2. Collection method: clinical testing. Allele origin: germline. Affected: yes. Observed: 26 variant alleles.
Comment: BARD1: BP4, BS1, BS2

Labcorp Genetics (formerly Invitae), Labcorp
Classification: Benign for Familial cancer of breast. Last evaluated: 2026-02-03. Review status: criteria provided, single submitter. Criteria: Invitae Variant Classification Sherloc (09022015). Collection method: clinical testing. Allele origin: germline.

Center for Genomic Medicine, Rigshospitalet, Copenhagen University Hospital
Classification: Likely benign. Last evaluated: 2025-03-04. Review status: criteria provided, single submitter. Criteria: ACMG Guidelines, 2015. Collection method: clinical testing. Allele origin: germline.

Mayo Clinic Laboratories, Mayo Clinic
Classification: Likely benign. Last evaluated: 2025-02-10. Review status: criteria provided, single submitter. Criteria: ACMG Guidelines, 2015. Collection method: clinical testing. Allele origin: germline. Observed: 8 variant alleles.
Comment: BS1, BP4, BP7

Blueprint Genetics
Classification: Likely benign. Last evaluated: 2024-11-21. Review status: criteria provided, single submitter. Criteria: ACMG Guidelines, 2015. Collection method: clinical testing. Allele origin: germline.

Molecular Diagnostics Laboratory, Catalan Institute of Oncology
Classification: Likely benign for Hereditary cancer-predisposing syndrome. Last evaluated: 2024-10-28. Review status: criteria provided, single submitter. Criteria: ACMG Guidelines, 2015. Collection method: clinical testing. Allele origin: germline.
Comment: BS3, BP7 c.1977A>G located in exon 10 of the BARD1 gene, is predicted to result in no amino acid change, p.(Arg659=)(BP7).This variant is found in 288/102682, with a filtered allele frequency of 0.24%, and one homozygous individual was reported in the gnomAD v2.1.1 database (European non-Finnish non-cancer data set). The SpliceAI algorithm predicts no significant impact on splicing. The variant has been identified in the ClinVar (2x uncertain significance, 15x likely benign, 7x benign) and in LOVD database (4x likely benign, 3x benign). Reported by one calibrated study incorporating mRNA splicing effect to affect function similar to benign control variants (PMID: 34824355)(BS3). Based on currently available information, the variant c.1977A>G is classified as a likely benign variant according to ACMG guidelines.

ARUP Laboratories, Molecular Genetics and Genomics, ARUP Laboratories
Classification: Likely benign for Familial cancer of breast. Last evaluated: 2024-09-24. Review status: criteria provided, single submitter. Criteria: ARUP Molecular Germline Variant Investigation Process 2024. Collection method: clinical testing. Allele origin: germline.

Hereditary Cancer Laboratory, Hospital Universitario 12 de Octubre
Classification: Likely benign for Hereditary cancer-predisposing syndrome. Last evaluated: 2024-07-01. Review status: criteria provided, single submitter. Criteria: ACMG Guidelines, 2015. Collection method: clinical testing. Allele origin: germline.
Comment: PM2,BP4,BP6,BP7

CHEO Genetics Diagnostic Laboratory, Children's Hospital of Eastern Ontario
Classification: Likely benign for Breast and/or ovarian cancer. Last evaluated: 2023-06-01. Review status: criteria provided, single submitter. Criteria: ACMG Guidelines, 2015. Collection method: clinical testing. Allele origin: germline.

Myriad Genetics, Inc.
Classification: Benign for Familial cancer of breast. Last evaluated: 2023-02-24. Review status: criteria provided, single submitter. Criteria: Myriad Autosomal Dominant, Autosomal Recessive and X-Linked Classification Criteria (2023). Collection method: clinical testing. Allele origin: unknown.
Comment: This variant is considered benign. This variant is a silent/synonymous amino acid change and it is not expected to impact splicing.

Quest Diagnostics Nichols Institute San Juan Capistrano
Classification: Benign. Last evaluated: 2022-07-13. Review status: criteria provided, single submitter. Criteria: Quest Diagnostics criteria. Collection method: clinical testing. Allele origin: unknown.

Ambry Genetics
Classification: Likely benign for Hereditary cancer-predisposing syndrome. Last evaluated: 2021-11-09. Review status: criteria provided, single submitter. Criteria: Ambry Variant Classification Scheme 2023. Collection method: clinical testing. Allele origin: germline.

Institute for Clinical Genetics, University Hospital TU Dresden, University Hospital TU Dresden
Classification: Uncertain significance. Last evaluated: 2021-11-03. Review status: criteria provided, single submitter. Criteria: ACMG Guidelines, 2015. Collection method: clinical testing. Allele origin: germline.

GeneDx
Classification: Likely benign. Last evaluated: 2021-06-06. Review status: criteria provided, single submitter. Criteria: GeneDx Variant Classification Process June 2021. Collection method: clinical testing. Allele origin: germline. Affected: yes.
Comment: This variant is associated with the following publications: (PMID: 26075229, 32025336, 25994375, 26738429, 26329992, 28030839, 22433386, 21344236, 28821472, 26787654, 30441849, 31142030, 30374176)

Color Diagnostics, LLC DBA Color Health
Classification: Benign for Hereditary cancer-predisposing syndrome. Last evaluated: 2020-11-30. Review status: criteria provided, single submitter. Criteria: ACMG Guidelines, 2015. Collection method: clinical testing. Allele origin: germline.

Sema4
Classification: Benign for Hereditary cancer-predisposing syndrome. Last evaluated: 2020-09-15. Review status: criteria provided, single submitter. Criteria: Sema4 Curation Guidelines. Collection method: curation. Allele origin: germline.

Genetic Services Laboratory, University of Chicago
Classification: Benign. Last evaluated: 2020-07-21. Review status: criteria provided, single submitter. Criteria: ACMG Guidelines, 2015. Collection method: clinical testing. Allele origin: germline. Affected: no.

Women's Health and Genetics/Laboratory Corporation of America, LabCorp
Classification: Likely benign. Last evaluated: 2018-11-16. Review status: criteria provided, single submitter. Criteria: LabCorp Variant Classification Summary - May 2015. Collection method: clinical testing. Allele origin: germline.
Comment: Variant summary: BARD1 c.1977A>G alters a non-conserved nucleotide resulting in a synonymous change. 5/5 computational tools predict no significant impact on normal splicing; however ESEfinder predicts binding motif alterations for RNA splicing enhancers. Supporting the prediction of altered binding motifs, a functional study showed that this variant was associated with a transcript lacking exons 2-9 resulting in a very short open reading frame (p.Cys53_Trp635delinsfsX12) in addition to full-length transcript at a ratio of 3.8 (full-length to short; Ratajska_2012), which was not seen in controls. In a recent functional study examining the effect of variant at the cellular level, the authors observed a significant increase of telomere abnormalities (Pilyugin_2017). Pathogenic variants in BARD1 gene confer increased risk of breast and/or ovarian cancer. Monoallelic germline mutations in BARD1 are estimated to confer up to a 3 fold increased risk for breast cancer compared to the general population (PMID: 22264603). Given the unknown clinical effect of this occasional splicing abnormality, the importance of these in vitro studies is unclear. This variant was found in 572/ 279550 control chromosomes (including one homozygous occurrence) at a frequency of 0.002, which is more than 8 times greater than the maximal expected frequency of a pathogenic allele (0.00025) in this gene. Additionally, the observed variant frequency within Ashkenazi Jewish control individuals in the gnomAD database and publications is approximately 30.8 fold of the estimated maximal expected allele frequency for a pathogenic variant in BARD1 causing Hereditary Breast and Ovarian Cancer phenotype (0.00025), strongly suggesting that the variant is a benign polymorphism found primarily in populations of Ashkenazi Jewish origin. c.1977A>G has been reported in the literature and in one poster from Ambry Genetics in individuals affected with Hereditary Breast and Ovarian Cancer (Ratajska_2012, Ratajska_2015, Pesaran_2013) with a combined OR of 2.76. Five clinical diagnostic laboratories have submitted clinical-significance assessments for this variant to ClinVar after 2014 without evidence for independent evaluation. All laboratories classified the variant as benign/likely benign. Based on the evidence outlined above, the variant was classified as likely benign.

Mendelics
Classification: Likely benign for Familial cancer of breast. Last evaluated: 2018-07-02. Review status: criteria provided, single submitter. Criteria: Mendelics Assertion Criteria 2017. Collection method: clinical testing. Allele origin: unknown.

NM_000465.4(BARD1):c.1977A>G (p.Arg659=)

Gene: BARD1 (BRCA1 associated RING domain 1; minus strand). Cytogenetic location: 2q35.
Variant type: single nucleotide variant.
Coding change: c.1977A>G on transcript NM_000465.4 (MANE Select); coding-DNA position 1977, A replaced by G.
Protein change: p.Arg659=; no amino-acid change (arginine 659 retained).
Molecular consequence: synonymous variant. On other transcripts: non-coding transcript variant (3).
Genome position (GRCh38, 1-based): chr2:214,730,435, T>C on the plus strand (A>G on the coding strand, the complement: BARD1 is on the minus strand). VCF-style: chr2-214730435-T-C. GRCh37 (hg19) VCF-style: chr2-215595159-T-C.
Other names: p.R659R:AGA>AGG; c.1920A>G, p.Arg640= (NM_001282543.2); c.624A>G, p.Arg208= (NM_001282545.2); c.567A>G, p.Arg189= (NM_001282548.2); c.438A>G, p.Arg146= (NM_001282549.2).
Identifiers: ClinVar variation 127727 (VCV000127727.98), dbSNP rs147215925, ClinGen allele CA287528.